The following is an entry in ClinVar:

NM_003494.3(DYSF):c.2779del (p.Ala927Leufs)

Gene: DYSF (dysferlin; plus strand). Cytogenetic location: 2p13.2.
Variant type: Deletion.
Coding change: c.2779del on transcript NM_003494.3; coding-DNA position 2779, one base deleted (G; older notation c.2779delG).
Protein change: p.Ala927Leufs; shifts the reading frame from alanine 927.
Molecular consequence: frameshift variant (on NM_001130987.2).
Genome position (GRCh38, 1-based): chr2:71,568,307, G deleted; the last of 3 consecutive G bases (chr2:71,568,305-71,568,307); deleting any one gives the same sequence. VCF-style (leftmost placement, unchanged base first): chr2-71568304-TG-T. GRCh37 (hg19) VCF-style: chr2-71795434-TG-T.
Other names: NM_003494.3(DYSF):c.2779del; p.Ala927Leufs; c.2833del (NM_001130987.1); c.2779delG (NM_003494.3, NM_003494.4); c.2782del, p.Ala928fs (NM_001130455.2, NM_001130983.2); c.2737del, p.Ala913fs (NM_001130976.2, NM_001130977.2); c.2779del, p.Ala927fs (NM_001130978.2, NM_003494.4); c.2872del, p.Ala958fs (NM_001130979.2); and 4 more; short protein forms A914fs, A928fs, A944fs, A959fs, A913fs, A927fs, A945fs, A958fs.
Identifiers: ClinVar variation 6685 (VCV000006685.65), dbSNP rs727503909, ClinGen allele CA233930.
Genomic context (GRCh38, chr2:71,568,304, plus strand): 5'-GACGTCACGGGCAAGATCAAGCTACCCAAGGACAGCTTCCGCCCCTCGGCCGGCTGGACC[TG>T]GGCTGGAGATTGGTTCGTGTGTCCGGAGAAGACGTGAGTCGTGGGCAGGGAGGGCTGGGG-3'

ClinVar aggregate classification (germline): Pathogenic. Review status: reviewed by expert panel (3 of 4 stars). 15 submissions from 15 submitters: Pathogenic (1). 14 of the submissions do not count toward it. Last evaluated 2025-01-08.

Conditions:
Autosomal recessive limb-girdle muscular dystrophy. Identifiers: Orphanet 102015, MedGen C2931907, MONDO:0015152.
Neuromuscular disease caused by qualitative or quantitative defects of dysferlin. Also called: Qualitative or quantitative defects of dysferlin; Dysferlinopathy. Identifiers: Orphanet 207073, MedGen C2931687, MONDO:0016145.
Miyoshi muscular dystrophy 1 (MMD1). Identifiers: Orphanet 45448, MedGen C4551973, MONDO:0024545, OMIM 254130.
Autosomal recessive limb-girdle muscular dystrophy type 2B (LGMDR2). Also called: MUSCULAR DYSTROPHY, LIMB-GIRDLE, AUTOSOMAL RECESSIVE 2; Limb-girdle muscular dystrophy, type 2B; MUSCULAR DYSTROPHY, LIMB-GIRDLE, TYPE 3; Limb-Girdle Muscular Dystrophy Type 2B (LGMD2B). Identifiers: Orphanet 268, MedGen C1850889, MONDO:0009676, OMIM 253601.

Submissions (15):

ClinGen Limb Girdle Muscular Dystrophy Variant Curation Expert Panel, ClinGen
Classification: Pathogenic for Autosomal recessive limb-girdle muscular dystrophy. Last evaluated: 2025-01-08. Review status: reviewed by expert panel. Criteria: ClinGen LGMD VCEP ACMG Specifications DYSF V1.0.0. Collection method: curation. Allele origin: germline. Inheritance: Autosomal recessive inheritance.
Comment: The NM_003494.4: c.2779del p.(Ala927LeufsTer21) variant in DYSF, which is also known as NM_001130987.2: c.2833del p.(Ala945LeufsTer21), is a frameshift variant predicted to cause a premature stop codon in biologically relevant exon 27/55 leading to nonsense mediated decay in a gene in which loss of function is an established disease mechanism (PVS1). This variant has been detected in at least 13 individuals with limb girdle muscular dystrophy. Of those individuals, one was compound heterozygous for the variant and a pathogenic variant (c.857T>A (p.Val286Glu), 1.0 pt, PMID: 18832576), and 10 were homozygous (0.75 pts, PMID: 16010686, 17825554) (PM3). At least one patient with this variant displayed progressive limb girdle muscle weakness and absent dysferlin protein expression, which is highly specific for DYSF-associated LGMD (PP4_Strong, PMID: 18832576, 17825554). The variant was also reported to co-segregate with the disease in 10 affected family members and has been described as a founder variant among Jews of the Caucus region, with an estimated carrier frequency of 4% (PP1 (capped with PP4_Strong); PMID: 17825554). The filtering allele frequency of the variant is 0.0006 for Admixed American genome alleles in gnomAD v3.1.2 (the upper threshold of the 95% CI of 4/15288), which is greater than the LGMD VCEP threshold (<0.0001) for PM2_Supporting (criterion not met). In summary, this variant meets the criteria to be classified as Pathogenic for autosomal recessive limb girdle muscular dystrophy based on the ACMG/AMP criteria applied, as specified by the ClinGen LGMD VCEP (LGMD VCEP specifications version 1.0.0; 01/08/2025): PVS1, PM3, PP4_Strong, PP1.

Labcorp Genetics (formerly Invitae), Labcorp
Classification: Pathogenic for Neuromuscular disease caused by qualitative or quantitative defects of dysferlin. Last evaluated: 2026-01-19. Review status: criteria provided, single submitter. Criteria: Invitae Variant Classification Sherloc (09022015). Collection method: clinical testing. Allele origin: germline. Not counted in ClinVar's aggregate classification.
Comment: This sequence change creates a premature translational stop signal (p.Ala927Leufs*21) in the DYSF gene. It is expected to result in an absent or disrupted protein product. Loss-of-function variants in DYSF are known to be pathogenic (PMID: 17698709, 20301480). This variant is present in population databases (rs745407251, gnomAD 0.02%). This premature translational stop signal has been observed in individuals with limb-girdle muscular dystrophy type 2B (LGMD2B), Miyoshi myopathy or pseudometabolic muscular dystrophy (PMID: 16010686, 17825554, 18832576, 18853459, 19084402, 22194990, 25821721). It has also been observed to segregate with disease in related individuals. ClinVar contains an entry for this variant (Variation ID: 6685). For these reasons, this variant has been classified as Pathogenic.

Natera, Inc.
Classification: Pathogenic for Limb-girdle muscular dystrophy type 2B. Last evaluated: 2025-12-31. Review status: criteria provided, single submitter. Criteria: Natera Variant Classification Schema (03/2026). Collection method: clinical testing. Allele origin: germline. Not counted in ClinVar's aggregate classification.
Comment: The c.2779delG variant in DYSF is a frameshift variant predicted to shift the reading frame beginning at codon 927 and leads to a stop codon 21 codons downstream. This variant is expected to result in nonsense mediated decay, truncation, or a dysfunctional protein product. This variant is rare in the general population with a frequency below the threshold expected for the associated phenotype(s). This variant has been observed in one or more individuals affected with the associated recessive disease, as either homozygous or compound heterozygous with a second variant (PMID: 17825554). Given the available evidence, this variant is classified as Pathogenic.

3billion
Classification: Pathogenic for Miyoshi muscular dystrophy 1. Last evaluated: 2025-04-10. Review status: criteria provided, single submitter. Criteria: ACMG Guidelines, 2015. Collection method: clinical testing. Allele origin: germline. Affected: yes. Not counted in ClinVar's aggregate classification.
Comment: The variant is observed at an extremely low frequency in the gnomAD v4.1.0 dataset (total allele frequency: <0.001%). Predicted Consequence/Location: Frameshift: predicted to result in a loss or disruption of normal protein function through nonsense-mediated decay (NMD) or protein truncation. Multiple pathogenic variants are reported downstream of the variant. The variant has been reported multiple times as an established pathogenic variant (ClinVar ID: VCV000006685 / PMID: 16010686). Therefore, this variant is classified as Pathogenic according to the recommendation of ACMG/AMP guideline.

Baylor Genetics
Classification: Pathogenic for Miyoshi muscular dystrophy 1. Last evaluated: 2024-02-24. Review status: criteria provided, single submitter. Criteria: ACMG Guidelines, 2015. Collection method: clinical testing. Allele origin: unknown. Not counted in ClinVar's aggregate classification.

Revvity Omics, Revvity
Classification: Pathogenic. Last evaluated: 2023-06-19. Review status: criteria provided, single submitter. Criteria: ACMG Guidelines, 2015. Collection method: clinical testing. Allele origin: germline. Not counted in ClinVar's aggregate classification.

CeGaT Center for Human Genetics Tuebingen
Classification: Pathogenic. Last evaluated: 2023-02-01. Review status: criteria provided, single submitter. Criteria: CeGaT Center For Human Genetics Tuebingen Variant Classification Criteria Version 2. Collection method: clinical testing. Allele origin: germline. Affected: yes. Observed: 1 variant allele. Not counted in ClinVar's aggregate classification.
Comment: DYSF: PVS1, PM2, PM3, PS4:Supporting

Institute of Human Genetics Munich, TUM University Hospital
Classification: Pathogenic for Miyoshi muscular dystrophy 1. Last evaluated: 2021-05-06. Review status: criteria provided, single submitter. Criteria: Classification criteria August 2017. Collection method: clinical testing. Allele origin: germline. Inheritance: Autosomal recessive inheritance. Affected: yes. Observed: 1 variant allele. Not counted in ClinVar's aggregate classification.

Athena Diagnostics
Classification: Pathogenic. Last evaluated: 2020-08-31. Review status: criteria provided, single submitter. Criteria: Athena Diagnostics Criteria. Collection method: clinical testing. Allele origin: unknown. Not counted in ClinVar's aggregate classification.
Comment: This variant is expected to result in the loss of a functional protein. The frequency of this variant in the general population is consistent with pathogenicity. This variant has been identified in multiple unrelated individuals with clinical features associated with this gene (PMID:25821721, 22194990, 19084402, 16010686, 18853459, 17825554). In multiple individuals, this variant has been seen with a single recessive pathogenic variant in the same gene, suggesting this variant may also be pathogenic.

Genetic Diseases Diagnostic Center, Koc University Hospital
Classification: Likely pathogenic for Miyoshi muscular dystrophy 1. Last evaluated: 2018-12-18. Review status: criteria provided, single submitter. Criteria: ACMG Guidelines, 2015. Collection method: clinical testing. Allele origin: germline. Inheritance: Autosomal recessive inheritance. Affected: yes. Not counted in ClinVar's aggregate classification.

GeneDx
Classification: Pathogenic. Last evaluated: 2017-12-28. Review status: criteria provided, single submitter. Criteria: GeneDx Variant Classification (06012015). Collection method: clinical testing. Allele origin: germline. Affected: yes. Not counted in ClinVar's aggregate classification.
Comment: The c.2779delG pathogenic variant in the DYSF gene has been previously reported multiple times in association with DYSF-related disorders when present in the homozygous state or when in trans with another pathogenic DYSF variant (Krahn et al., 2009; Paradas et al., 2009; Ceyhan-Birsoy et al., 2015). This variant is observed in 7/34,416 (0.02%) alleles from individuals of Latino background (Lek et al., 2016). The c.2779delG variant causes a frameshift starting with codon Alanine 927, changes this amino acid to a Leucine residue, and creates a premature Stop codon at position 21 of the new reading frame, denoted p.Ala927LeufsX21. This variant is predicted to cause loss of normal protein function either through protein truncation of nonsense-mediated mRNA decay.

Eurofins Ntd Llc (ga)
Classification: Pathogenic. Last evaluated: 2016-11-09. Review status: criteria provided, single submitter. Criteria: EGL Classification Definitions. Collection method: clinical testing. Allele origin: germline. Observed: 17 variant alleles, 11 heterozygotes, 6 homozygotes. Not counted in ClinVar's aggregate classification.

Clinical Genetics Service, Universitary Hospital 12 de Octubre
Classification: Pathogenic for Autosomal recessive limb-girdle muscular dystrophy type 2B. Review status: criteria provided, single submitter. Criteria: ACMG Guidelines, 2015. Collection method: clinical testing. Allele origin: germline. Affected: yes. Not counted in ClinVar's aggregate classification.

OMIM
Classification: Pathogenic for MUSCULAR DYSTROPHY, LIMB-GIRDLE, AUTOSOMAL RECESSIVE 2. Last evaluated: 2009-01-01. Review status: no assertion criteria provided. Collection method: literature only. Allele origin: germline. Not counted in ClinVar's aggregate classification.

GeneReviews
No classification provided. Condition: Miyoshi muscular dystrophy 1. Review status: no classification provided. Collection method: literature only. Allele origin: germline. Not counted in ClinVar's aggregate classification.
Comment: Founder variant in Jews of the Caucasus

Literature cited by the submitters: PubMed 17698709 (cited by Labcorp Genetics (formerly Invitae), Labcorp); PubMed 20301480 (cited by Labcorp Genetics (formerly Invitae), Labcorp); PubMed 16010686 (cited by 3 submitters); PubMed 17825554 (cited by 4 submitters); PubMed 18832576 (cited by Labcorp Genetics (formerly Invitae), Labcorp and Athena Diagnostics); PubMed 18853459 (cited by Labcorp Genetics (formerly Invitae), Labcorp and Athena Diagnostics); PubMed 19084402 (cited by 3 submitters); PubMed 22194990 (cited by Labcorp Genetics (formerly Invitae), Labcorp and Athena Diagnostics); PubMed 25821721 (cited by Labcorp Genetics (formerly Invitae), Labcorp and Athena Diagnostics).